The following is an entry in ClinVar:

ClinVar aggregate classification (germline): Uncertain significance (1 of 4 stars; one submission).

Conditions:
Congenital myopathy with internal nuclei and atypical cores. Also called: Myopathy, centronuclear, 4. Identifiers: Orphanet 319160, MedGen C4707232, MONDO:0013890, OMIM 614807.

Submission:

Labcorp Genetics (formerly Invitae), Labcorp
Classification: Uncertain significance for Congenital myopathy with internal nuclei and atypical cores. Last evaluated: 2024-03-20. Review status: criteria provided, single submitter. Criteria: Invitae Variant Classification Sherloc (09022015). Collection method: clinical testing. Allele origin: germline.
Comment: This sequence change replaces glutamine, which is neutral and polar, with histidine, which is basic and polar, at codon 371 of the CCDC78 protein (p.Gln371His). This variant is present in population databases (rs755798886, gnomAD 0.006%). This variant has not been reported in the literature in individuals affected with CCDC78-related conditions. Advanced modeling of protein sequence and biophysical properties (such as structural, functional, and spatial information, amino acid conservation, physicochemical variation, residue mobility, and thermodynamic stability) performed at Invitae indicates that this missense variant is not expected to disrupt CCDC78 protein function with a negative predictive value of 80%. In summary, the available evidence is currently insufficient to determine the role of this variant in disease. Therefore, it has been classified as a Variant of Uncertain Significance.

NM_001378030.1(CCDC78):c.1113G>C (p.Gln371His)

Gene: CCDC78 (coiled-coil domain containing 78; minus strand). Cytogenetic location: 16p13.3.
Variant type: single nucleotide variant.
Coding change: c.1113G>C on transcript NM_001378030.1 (MANE Select); coding-DNA position 1113, G replaced by C.
Protein change: p.Gln371His; replaces glutamine 371 with histidine.
Molecular consequence: missense variant. On other transcripts: non-coding transcript variant (5), intron variant (1).
Genome position (GRCh38, 1-based): chr16:723,877, C>G on the plus strand (G>C on the coding strand, the complement: CCDC78 is on the minus strand). VCF-style: chr16-723877-C-G. GRCh37 (hg19) VCF-style: chr16-773877-C-G.
Other names: c.1113G>C, p.Gln371His (NM_001031737.3); c.546G>C, p.Gln182His (NM_001378033.1); c.953+445G>C (NM_001378031.1); short protein forms Q182H, Q371H.
Identifiers: ClinVar variation 3636926 (VCV003636926.2).
Genomic context (GRCh38, chr16:723,877, plus strand): 5'-ATCCCCCACAGGCCTCCCCCACACCCATGAGGGCACTCACTGTGGCTCTGATGTTCCCCC[C>G]TGGGAGGCTCCACCGGGTCTCTTTTTTGGGGATGAGAGCAGTGCCCCAGGCCCGCCGTGC-3'
Protein context (NP_001364959.1, residues 361-381): SPKKRPGGAS[Gln371His]GGTSEPQGLD